The following is an entry in ClinVar:

ClinVar aggregate classification (germline): Uncertain significance (1 of 4 stars; one submission).

Conditions:
Dyskeratosis congenita, autosomal dominant 1 (DKCA1). Also called: Dyskeratosis congenita Scoggins type. Identifiers: Orphanet 1775, MedGen C4551974, MONDO:0007485, OMIM 127550. Inheritance: Variable.

Submission:

Labcorp Genetics (formerly Invitae), Labcorp
Classification: Uncertain significance for Dyskeratosis congenita, autosomal dominant 1. Last evaluated: 2024-01-15. Review status: criteria provided, single submitter. Criteria: Invitae Variant Classification Sherloc (09022015). Collection method: clinical testing. Allele origin: germline.
Comment: This variant occurs in the TERC gene, which encodes an RNA molecule that does not result in a protein product. This variant is not present in population databases (gnomAD no frequency). This variant has not been reported in the literature in individuals affected with TERC-related conditions. This variant is located within the template/pseudoknot domain of the TERC RNA component, which is required for RNA or RNP stability (PMID: 15082312, 21844345). This variant is located in a region of TERC in which a significant number of disease causing variants have been reported (PMID: 15082312, 21844345, 21931702). These observations suggest that this may be a clinically significant region. In summary, the available evidence is currently insufficient to determine the role of this variant in disease. Therefore, it has been classified as a Variant of Uncertain Significance.

Literature cited by the submitters: PubMed 15082312; PubMed 21844345; PubMed 21931702.

NC_000003.12:g.169764953G>A

Genes: TERC (telomerase RNA component; minus strand), LOC110806306 (telomerase RNA component (TERC) promoter; plus strand). Cytogenetic location: 3q26.2.
Variant type: single nucleotide variant.
Genome position: GRCh38 VCF-style: chr3-169764953-G-A. GRCh37 (hg19) VCF-style: chr3-169482741-G-A.
Identifiers: ClinVar variation 2734587 (VCV002734587.3), dbSNP rs2474262462, ClinGen allele CA436715781.
Genomic context (GRCh38, chr3:169,764,953, plus strand): 5'-TTGCTCTAGAATGAACGGTGGAAGGCGGCAGGCCGAGGCTTTTCCGCCCGCTGAAAGTCA[G>A]CGAGAAAAACAGCGCGCGGGGAGCAAAAGCACGGCGCCTACGCCCTTCTCAGTTAGGGTT-3'